The following is an entry in ClinVar:

NM_000152.5(GAA):c.1937del (p.Val646fs)

Gene: GAA (alpha glucosidase; plus strand). Cytogenetic location: 17q25.3.
Variant type: Deletion.
Coding change: c.1937del on transcript NM_000152.5 (MANE Select); coding-DNA position 1937, one base deleted (T; older notation c.1937delT).
Protein change: p.Val646fs; shifts the reading frame from valine 646.
Molecular consequence: frameshift variant.
Genome position (GRCh38, 1-based): chr17:80,112,924, T deleted. VCF-style (leftmost placement, unchanged base first): chr17-80112923-GT-G. GRCh37 (hg19) VCF-style: chr17-78086722-GT-G.
Other names: c.1937del, p.Val646fs (NM_001079803.3, NM_001079804.3); c.1937delT, p.Val646Alafs (NM_001406741.1, NM_001406742.1); short protein forms V646fs.
Identifiers: ClinVar variation 2108566 (VCV002108566.4), dbSNP rs1806124182, ClinGen allele CA2277815453.
Genomic context (GRCh38, chr17:80,112,923, plus strand): 5'-TCTGCCCTCCCAGAAATCCTGCAGTTTAACCTGCTGGGGGTGCCTCTGGTCGGGGCCGAC[GT>G]CTGCGGCTTCCTGGGCAACACCTCAGAGGAGCTGTGTGTGCGCTGGACCCAGCTGGGGGC-3'

ClinVar aggregate classification (germline): Pathogenic (1 of 4 stars; one submission).

Conditions:
Glycogen storage disease, type II (IOPD). Also called: Pompe Disease; Glucosidase acid-1,4-alpha deficiency; CARDIOMEGALIA GLYCOGENICA DIFFUSA; POMPE DISEASE, INFANTILE-ONSET; GLYCOGEN STORAGE DISEASE II, INFANTILE-ONSET; ACID ALPHA-GLUCOSIDASE DEFICIENCY, INFANTILE-ONSET. Identifiers: Orphanet 365, MedGen C0017921, MONDO:0009290, OMIM 232300.

Allele frequency attached by ClinVar (database versions not stated): TOPMed below 0.00001.

Submission:

Labcorp Genetics (formerly Invitae), Labcorp
Classification: Pathogenic for Glycogen storage disease, type II. Last evaluated: 2022-03-10. Review status: criteria provided, single submitter. Criteria: Invitae Variant Classification Sherloc (09022015). Collection method: clinical testing. Allele origin: germline.
Comment: For these reasons, this variant has been classified as Pathogenic. This variant has not been reported in the literature in individuals affected with GAA-related conditions. This variant is not present in population databases (gnomAD no frequency). This sequence change creates a premature translational stop signal (p.Val646Alafs*50) in the GAA gene. It is expected to result in an absent or disrupted protein product. Loss-of-function variants in GAA are known to be pathogenic (PMID: 18425781, 22252923).

Literature cited by the submitters: PubMed 18425781; PubMed 22252923.